The following is an entry in ClinVar:

ClinVar aggregate classification (germline): Uncertain significance (1 of 4 stars; one submission).

Allele frequency attached by ClinVar (database versions not stated): gnomAD 0.00001 and 0.00002; gnomAD exomes 0.00001 and 0.00002; ExAC 0.00002; TOPMed 0.00002.
gnomAD v4.1: 13 of 1,613,386 alleles (0.00081%); highest among the groups gnomAD compares: Admixed American, 0.0083%; no homozygotes.

Submission:

Labcorp Genetics (formerly Invitae), Labcorp
Classification: Uncertain significance. Last evaluated: 2021-09-01. Review status: criteria provided, single submitter. Criteria: Invitae Variant Classification Sherloc (09022015). Collection method: clinical testing. Allele origin: germline.
Comment: This sequence change replaces serine with proline at codon 403 of the HPS1 protein (p.Ser403Pro). The serine residue is weakly conserved and there is a moderate physicochemical difference between serine and proline. This variant is present in population databases (rs755979374, ExAC 0.02%). This variant has not been reported in the literature in individuals affected with HPS1-related conditions. Algorithms developed to predict the effect of missense changes on protein structure and function are either unavailable or do not agree on the potential impact of this missense change (SIFT: "Tolerated"; PolyPhen-2: "Possibly Damaging"; Align-GVGD: "Class C0"). In summary, the available evidence is currently insufficient to determine the role of this variant in disease. Therefore, it has been classified as a Variant of Uncertain Significance.

NM_000195.5(HPS1):c.1207T>C (p.Ser403Pro)

Gene: HPS1 (HPS1 biogenesis of lysosomal organelles complex 3 subunit 1; minus strand). Cytogenetic location: 10q24.2.
Variant type: single nucleotide variant.
Coding change: c.1207T>C on transcript NM_000195.5 (MANE Select); coding-DNA position 1207, T replaced by C.
Protein change: p.Ser403Pro; replaces serine 403 with proline.
Molecular consequence: missense variant.
Genome position (GRCh38, 1-based): chr10:98,425,669, A>G on the plus strand (T>C on the coding strand, the complement: HPS1 is on the minus strand). VCF-style: chr10-98425669-A-G. GRCh37 (hg19) VCF-style: chr10-100185426-A-G.
Other names: c.235T>C, p.Ser79Pro (NM_001311345.2, NM_001322487.2, NM_001322489.2); c.1207T>C, p.Ser403Pro (NM_001322476.2, NM_001322477.2); c.1108T>C, p.Ser370Pro (NM_001322478.2, NM_001322479.2); c.946T>C, p.Ser316Pro (NM_001322480.2, NM_001322481.2); c.847T>C, p.Ser283Pro (NM_001322482.2); c.838T>C, p.Ser280Pro (NM_001322483.2, NM_001322484.2); c.739T>C, p.Ser247Pro (NM_001322485.2); short protein forms S79P, S247P, S283P, S403P, S280P, S316P, S370P.
Identifiers: ClinVar variation 1436532 (VCV001436532.5), dbSNP rs755979374, ClinGen allele CA5639108.
Genomic context (GRCh38, chr10:98,425,669, plus strand): 5'-GCTGGGAGCGCAGGGAGGCCCCGGGCTCCGGCCCTTCCTTCAGCTTCTTCTCCAGCATGG[A>G]GAAGCCATCCATCAGCTGGGACAGAACCAGGGCCAGGGGCGCGCTGGGGCTCTGAGGGTA-3'
Protein context (NP_000186.2, residues 393-413): LVLSQLMDGF[Ser403Pro]MLEKKLKEGP